The following is an entry in ClinVar:

NM_001080517.3(SETD5):c.1042C>T (p.Arg348Trp)

Gene: SETD5 (SET domain containing 5; plus strand). Cytogenetic location: 3p25.3.
Variant type: single nucleotide variant.
Coding change: c.1042C>T on transcript NM_001080517.3 (MANE Select); coding-DNA position 1042, C replaced by T.
Protein change: p.Arg348Trp; replaces arginine 348 with tryptophan.
Molecular consequence: missense variant.
Genome position (GRCh38, 1-based): chr3:9,442,210, C>T. VCF-style: chr3-9442210-C-T. GRCh37 (hg19) VCF-style: chr3-9483894-C-T.
Other names: c.748C>T, p.Arg250Trp (NM_001292043.2, NM_001349451.2); short protein forms R348W, R250W.
Identifiers: ClinVar variation 450307 (VCV000450307.18), dbSNP rs1553621798, ClinGen allele CA351689548.

ClinVar aggregate classification (germline): Conflicting classifications of pathogenicity. Review status: criteria provided, conflicting classifications (1 of 4 stars). 6 submissions from 6 submitters: Pathogenic (1); Likely pathogenic (3); Uncertain significance (2). Last evaluated 2025-04-18.

Conditions:
Neurodevelopmental disorder. Identifiers: MedGen C1535926, MeSH D065886, MONDO:0700092.
Intellectual disability-facial dysmorphism syndrome due to SETD5 haploinsufficiency (MRD23). Also called: Intellectual developmental disorder, autosomal dominant 23. Identifiers: Orphanet 404440, MedGen C3810406, MONDO:0014336, OMIM 615761.

Allele frequency attached by ClinVar (database versions not stated): gnomAD exomes below 0.00001.
gnomAD v4.1: 1 of 1,612,936 alleles (0.000062%); highest among the groups gnomAD compares: Non-Finnish European, 0.000085%; no homozygotes.

Submissions (6):

GeneDx
Classification: Pathogenic. Last evaluated: 2025-04-18. Review status: criteria provided, single submitter. Criteria: GeneDx Variant Classification Process June 2021. Collection method: clinical testing. Allele origin: germline. Affected: yes.
Comment: In silico analysis supports that this missense variant has a deleterious effect on protein structure/function; Not observed at significant frequency in large population cohorts (gnomAD); Has not been previously published as pathogenic or benign to our knowledge

Genomic Medicine Center of Excellence, King Faisal Specialist Hospital and Research Centre
Classification: Likely pathogenic for Intellectual disability-facial dysmorphism syndrome due to SETD5 haploinsufficiency. Last evaluated: 2024-04-04. Review status: criteria provided, single submitter. Criteria: ACMG Guidelines, 2015. Collection method: clinical testing. Allele origin: germline.

3billion
Classification: Likely pathogenic for Intellectual disability-facial dysmorphism syndrome due to SETD5 haploinsufficiency. Last evaluated: 2023-08-04. Review status: criteria provided, single submitter. Criteria: ACMG Guidelines, 2015. Collection method: clinical testing. Allele origin: germline. Affected: yes.
Comment: The variant is not observed in the gnomAD v2.1.1 dataset. Predicted Consequence/Location: Protein truncation variants are a common disease-causing mechanism. In silico tool predictions suggest damaging effect of the variant on gene or gene product (REVEL: 0.87; 3Cnet: 0.98). Same nucleotide change resulting in same amino acid change has been previously reported to be associated with SETD5 related disorder (ClinVar ID: VCV000450307). However, the evidence of pathogenicity is insufficient at this time. Different missense changes at the same codon (p.Arg348Gln, p.Arg348Leu) have been reported as pathogenic/likely pathogenic with strong evidence (ClinVar ID: VCV001065941, VCV001206033 /PMID: 28191889). Therefore, this variant is classified as Likely pathogenic according to the recommendation of ACMG/AMP guideline.

Revvity Omics, Revvity
Classification: Uncertain significance for Intellectual disability-facial dysmorphism syndrome due to SETD5 haploinsufficiency. Last evaluated: 2021-11-17. Review status: criteria provided, single submitter. Criteria: ACMG Guidelines, 2015. Collection method: clinical testing. Allele origin: germline.

Laboratory of Molecular Genetics (Pr. Bezieau's lab), CHU de Nantes
Classification: Uncertain significance for Neurodevelopmental disorder. Last evaluated: 2020-09-07. Review status: criteria provided, single submitter. Criteria: ACMG Guidelines, 2015. Collection method: clinical testing. Allele origin: germline. Affected: yes.

Clinical Genetics Service, Universitary Hospital 12 de Octubre
Classification: Likely pathogenic for Intellectual disability-facial dysmorphism syndrome due to SETD5 haploinsufficiency. Review status: criteria provided, single submitter. Criteria: ACMG Guidelines, 2015. Collection method: clinical testing. Allele origin: germline. Affected: yes.

Literature cited by the submitters: PubMed 28191889 (cited by 3billion).